The following is an entry in ClinVar:

ClinVar aggregate classification (germline): Uncertain significance (1 of 4 stars; one submission).

Allele frequency attached by ClinVar (database versions not stated): gnomAD exomes below 0.00001; TOPMed below 0.00001; ExAC 0.00001; gnomAD 0.00001.
gnomAD v4.1: 5 of 1,610,588 alleles (0.00031%); highest among the groups gnomAD compares: South Asian, 0.0011%; no homozygotes.

Submission:

Labcorp Genetics (formerly Invitae), Labcorp
Classification: Uncertain significance. Last evaluated: 2023-10-13. Review status: criteria provided, single submitter. Criteria: Invitae Variant Classification Sherloc (09022015). Collection method: clinical testing. Allele origin: germline.
Comment: This sequence change replaces glutamine, which is neutral and polar, with arginine, which is basic and polar, at codon 131 of the MYSM1 protein (p.Gln131Arg). This variant is present in population databases (rs757481542, gnomAD 0.0009%). This variant has not been reported in the literature in individuals affected with MYSM1-related conditions. ClinVar contains an entry for this variant (Variation ID: 1488080). Advanced modeling of protein sequence and biophysical properties (such as structural, functional, and spatial information, amino acid conservation, physicochemical variation, residue mobility, and thermodynamic stability) performed at Invitae indicates that this missense variant is not expected to disrupt MYSM1 protein function. In summary, the available evidence is currently insufficient to determine the role of this variant in disease. Therefore, it has been classified as a Variant of Uncertain Significance.

NM_001085487.3(MYSM1):c.392A>G (p.Gln131Arg)

Gene: MYSM1 (Myb like, SWIRM and MPN domains 1; minus strand). Cytogenetic location: 1p32.1.
Variant type: single nucleotide variant.
Coding change: c.392A>G on transcript NM_001085487.3 (MANE Select); coding-DNA position 392, A replaced by G.
Protein change: p.Gln131Arg; replaces glutamine 131 with arginine.
Molecular consequence: missense variant.
Genome position (GRCh38, 1-based): chr1:58,689,045, T>C on the plus strand (A>G on the coding strand, the complement: MYSM1 is on the minus strand). VCF-style: chr1-58689045-T-C. GRCh37 (hg19) VCF-style: chr1-59154717-T-C.
Other names: short protein forms Q131R.
Identifiers: ClinVar variation 1488080 (VCV001488080.8), dbSNP rs757481542, ClinGen allele CA878039.
Genomic context (GRCh38, chr1:58,689,045, plus strand): 5'-CAATATTTGCTTCTAGAATTATTTTACTAAAAATTTAAAATTGCTCTATTTACCAGCCCT[T>C]GTTCAAACAGCTCTTTTTCTTCTATCGTCCACTTTACTGAGTAACTGGCTGGTTTTGTAG-3'
Protein context (NP_001078956.1, residues 121-141): WTIEEKELFE[Gln131Arg]GLAKFGRRWT